The following is an entry in ClinVar:

ClinVar aggregate classification (germline): Likely pathogenic (1 of 4 stars; one submission).

Submission:

GeneDx
Classification: Likely pathogenic. Last evaluated: 2019-03-04. Review status: criteria provided, single submitter. Criteria: GeneDx Variant Classification (06012015). Collection method: clinical testing. Allele origin: germline. Affected: yes.
Comment: The c.67085delA likely pathogenic variant in the TTN gene has not been published as pathogenic or benign to our knowledge. c.67085delA causes a shift in reading frame starting at codon asparagine 22362, changing it to a methionine, and creating a premature stop codon at position 27 of the new reading frame, denoted p.Asn22362MetfsX27. This likely pathogenic variant is expected to result in either an abnormal, truncated protein product or loss of protein from this allele through nonsense-mediated mRNA decay. Other truncating TTN variants have been reported in approximately 3% of control alleles (Herman et al., 2012). However, c.67085delA is located in the A-band region of titin, where the majority of truncating pathogenic variants associated with DCM have been reported (Herman et al., 2012). Moreover, the c.67085delA variant has not been observed in large population cohorts (Lek et al., 2016).In summary, c.67085delA in the TTN gene is interpreted as a likely pathogenic variant.

NM_001267550.2(TTN):c.72008del (p.Asn24003fs)

Genes: TTN (titin; minus strand), TTN-AS1 (TTN antisense RNA 1; plus strand). Cytogenetic location: 2q31.2.
Variant type: Deletion.
Coding change: c.72008del on transcript NM_001267550.2 (MANE Select); coding-DNA position 72008, one base deleted (A; older notation c.72008delA).
Protein change: p.Asn24003fs; shifts the reading frame from asparagine 24003.
Molecular consequence: frameshift variant.
Genome position (GRCh38, 1-based): chr2:178,574,124, T deleted on the plus strand (A on the coding strand, the reverse complement: TTN is on the minus strand); the first of 5 consecutive T bases (chr2:178,574,124-178,574,128); deleting any one gives the same sequence. VCF-style (leftmost placement, unchanged base first): chr2-178574123-AT-A. GRCh37 (hg19) VCF-style: chr2-179438850-AT-A.
Other names: c.67085del, p.Asn22362fs (NM_001256850.1); c.44813del, p.Asn14938fs (NM_003319.4); c.64304del, p.Asn21435fs (NM_133378.4); c.45188del, p.Asn15063fs (NM_133432.3); c.45389del, p.Asn15130fs (NM_133437.4); c.67085delA (NM_001256850.1); short protein forms N15063fs, N15130fs, N21435fs, N22362fs, N24003fs, N14938fs.
Identifiers: ClinVar variation 818046 (VCV000818046.1), dbSNP rs1559433601, ClinGen allele CA915942152.